The following is an entry in ClinVar:

ClinVar aggregate classification (germline): Uncertain significance (0 of 4 stars; one submission).

Conditions:
TNRC6B-related disorder. Also called: TNRC6B-related condition.

Allele frequency attached by ClinVar (database versions not stated): gnomAD 0.00001; gnomAD exomes 0.00001.
gnomAD v4.1: 10 of 1,591,718 alleles (0.00063%); highest among the groups gnomAD compares: African/African-American, 0.004%; no homozygotes.

Submission:

PreventionGenetics, part of Exact Sciences
Classification: Uncertain significance for TNRC6B-related condition. Last evaluated: 2024-04-09. Review status: no assertion criteria provided. Collection method: clinical testing. Allele origin: germline.
Comment: The TNRC6B c.167T>C variant is predicted to result in the amino acid substitution p.Ile56Thr. To our knowledge, this variant has not been reported in the literature or in a large population database, indicating this variant is rare. At this time, the clinical significance of this variant is uncertain due to the absence of conclusive functional and genetic evidence.

NM_001162501.2(TNRC6B):c.167T>C (p.Ile56Thr)

Gene: TNRC6B (trinucleotide repeat containing adaptor 6B; plus strand). Cytogenetic location: 22q13.1.
Variant type: single nucleotide variant.
Coding change: c.167T>C on transcript NM_001162501.2 (MANE Select); coding-DNA position 167, T replaced by C.
Protein change: p.Ile56Thr; replaces isoleucine 56 with threonine.
Molecular consequence: missense variant.
Genome position (GRCh38, 1-based): chr22:40,261,883, T>C. VCF-style: chr22-40261883-T-C. GRCh37 (hg19) VCF-style: chr22-40657887-T-C.
Other names: c.275T>C, p.Ile92Thr (NM_001024843.2); c.167T>C, p.Ile56Thr (NM_015088.3); short protein forms I56T, I92T.
Identifiers: ClinVar variation 2628588 (VCV002628588.2), dbSNP rs368015002, ClinGen allele CA324415603.